The following is an entry in ClinVar:

ClinVar aggregate classification (germline): Conflicting classifications of pathogenicity. Review status: criteria provided, conflicting classifications (1 of 4 stars). 7 submissions from 7 submitters: Uncertain significance (1); Benign (1); Likely benign (2). 3 of the submissions do not count toward it. Last evaluated 2025-11-14.

Conditions:
COL4A6-related disorder. Also called: COL4A6-related condition.

Allele frequency attached by ClinVar (database versions not stated): 1000 Genomes Project 0.00026; 1000 Genomes Project 30x 0.00042; ExAC 0.00122; ESP Exome Variant Server 0.00133; gnomAD exomes 0.00135 and 0.00234; TOPMed 0.00142; gnomAD 0.00163 and 0.00169.
gnomAD v4.1: 2,731 of 1,208,542 alleles (0.23%); highest among the groups gnomAD compares: Non-Finnish European, 0.28%; 1 homozygote.

Submissions (7):

Labcorp Genetics (formerly Invitae), Labcorp
Classification: Likely benign. Last evaluated: 2025-11-14. Review status: criteria provided, single submitter. Criteria: Invitae Variant Classification Sherloc (09022015). Collection method: clinical testing. Allele origin: germline.

Blueprint Genetics
Classification: Likely benign. Last evaluated: 2024-11-27. Review status: criteria provided, single submitter. Criteria: ACMG Guidelines, 2015. Collection method: clinical testing. Allele origin: germline.

GeneDx
Classification: Benign. Last evaluated: 2018-12-28. Review status: criteria provided, single submitter. Criteria: GeneDx Variant Classification Process June 2021. Collection method: clinical testing. Allele origin: germline. Affected: yes.
Comment: This variant is associated with the following publications: (PMID: 26795916)

CeGaT Center for Human Genetics Tuebingen
Classification: Uncertain significance. Last evaluated: 2016-06-01. Review status: criteria provided, single submitter. Criteria: CeGaT Center For Human Genetics Tuebingen Variant Classification Criteria Version 2. Collection method: clinical testing. Allele origin: germline. Affected: yes. Observed: 1 variant allele.

PreventionGenetics, part of Exact Sciences
Classification: Likely benign for COL4A6-related condition. Last evaluated: 2019-04-18. Review status: no assertion criteria provided. Collection method: clinical testing. Allele origin: germline. Not counted in ClinVar's aggregate classification.
Comment: This variant is classified as likely benign based on ACMG/AMP sequence variant interpretation guidelines (Richards et al. 2015 PMID: 25741868, with internal and published modifications).

Clinical Genetics DNA and cytogenetics Diagnostics Lab, Erasmus MC, Erasmus Medical Center
Classification: Likely benign. Review status: no assertion criteria provided. Collection method: clinical testing. Allele origin: germline. Affected: yes. Study: VKGL Data-share Consensus. Not counted in ClinVar's aggregate classification.

Laboratory of Diagnostic Genome Analysis, Leiden University Medical Center (LUMC)
Classification: Likely benign. Review status: no assertion criteria provided. Collection method: clinical testing. Allele origin: germline. Affected: yes. Study: VKGL Data-share Consensus. Not counted in ClinVar's aggregate classification.

NM_033641.4(COL4A6):c.2371G>A (p.Gly791Ser)

Gene: COL4A6 (collagen type IV alpha 6 chain; minus strand). Cytogenetic location: Xq22.3.
Variant type: single nucleotide variant.
Coding change: c.2371G>A on transcript NM_033641.4 (MANE Select); coding-DNA position 2371, G replaced by A.
Protein change: p.Gly791Ser; replaces glycine 791 with serine.
Molecular consequence: missense variant.
Genome position (GRCh38, 1-based): chrX:108,178,828, C>T on the plus strand (G>A on the coding strand, the complement: COL4A6 is on the minus strand). VCF-style: chrX-108178828-C-T. GRCh37 (hg19) VCF-style: chrX-107422058-C-T.
Other names: c.2422G>A, p.Gly808Ser (NM_001287758.2); c.2371G>A, p.Gly791Ser (NM_001287759.2, NM_001287760.2); c.2374G>A, p.Gly792Ser (NM_001847.4); short protein forms G792S, G791S, G808S.
Identifiers: ClinVar variation 493542 (VCV000493542.58), dbSNP rs143895379, ClinGen allele CA10487629.